The following is an entry in ClinVar:

NM_000494.4(COL17A1):c.1696C>T (p.Arg566Ter)

Gene: COL17A1 (collagen type XVII alpha 1 chain; minus strand). Cytogenetic location: 10q25.1.
Variant type: single nucleotide variant.
Coding change: c.1696C>T on transcript NM_000494.4 (MANE Select); coding-DNA position 1696, C replaced by T.
Protein change: p.Arg566Ter; replaces arginine 566 with a stop codon.
Molecular consequence: nonsense.
Genome position (GRCh38, 1-based): chr10:104,055,393, G>A on the plus strand (C>T on the coding strand, the complement: COL17A1 is on the minus strand). VCF-style: chr10-104055393-G-A. GRCh37 (hg19) VCF-style: chr10-105815151-G-A.
Other names: c.1696C>T (NM_000494.3); short protein forms R566*.
Identifiers: ClinVar variation 2735488 (VCV002735488.4), dbSNP rs2086510950, ClinGen allele CA378071680.

ClinVar aggregate classification (germline): Pathogenic. Review status: criteria provided, multiple submitters, no conflicts (2 of 4 stars). 2 submissions from 2 submitters: Pathogenic (2). Last evaluated 2025-04-30.

Allele frequency attached by ClinVar (database versions not stated): gnomAD exomes below 0.00001; TOPMed 0.00001.
gnomAD v4.1: 3 of 1,601,022 alleles (0.00019%); highest among the groups gnomAD compares: Non-Finnish European, 0.00026%; no homozygotes.

Submissions (2):

GeneDx
Classification: Pathogenic. Last evaluated: 2025-04-30. Review status: criteria provided, single submitter. Criteria: GeneDx Variant Classification Process June 2021. Collection method: clinical testing. Allele origin: germline. Affected: yes.
Comment: Identified with a second variant in patients with features of COL17A1-related junctional epidermolysis bullosa referred for genetic testing at GeneDx and in published literature (PMID: 33393081); Nonsense variant predicted to result in protein truncation or nonsense mediated decay in a gene for which loss of function is a known mechanism of disease; Not observed at significant frequency in large population cohorts (gnomAD); This variant is associated with the following publications: (PMID: 25525159, 16473856, 33393081)

Labcorp Genetics (formerly Invitae), Labcorp
Classification: Pathogenic. Last evaluated: 2023-07-16. Review status: criteria provided, single submitter. Criteria: Invitae Variant Classification Sherloc (09022015). Collection method: clinical testing. Allele origin: germline.
Comment: For these reasons, this variant has been classified as Pathogenic. This variant is also known as R565X. This premature translational stop signal has been observed in individual(s) with junctional epidermolysis bullosa (PMID: 16473856, 33393081). This variant is not present in population databases (gnomAD no frequency). This sequence change creates a premature translational stop signal (p.Arg566*) in the COL17A1 gene. It is expected to result in an absent or disrupted protein product. Loss-of-function variants in COL17A1 are known to be pathogenic (PMID: 16473856, 17344927, 20301304, 21357940, 24319098).

Literature cited by the submitters: PubMed 16473856 (cited by Labcorp Genetics (formerly Invitae), Labcorp); PubMed 33393081 (cited by Labcorp Genetics (formerly Invitae), Labcorp); PubMed 17344927 (cited by Labcorp Genetics (formerly Invitae), Labcorp); PubMed 20301304 (cited by Labcorp Genetics (formerly Invitae), Labcorp); PubMed 21357940 (cited by Labcorp Genetics (formerly Invitae), Labcorp); PubMed 24319098 (cited by Labcorp Genetics (formerly Invitae), Labcorp).